The following is an entry in ClinVar:

NM_001080.3(ALDH5A1):c.397C>T (p.Gln133Ter)

Gene: ALDH5A1 (aldehyde dehydrogenase 5 family member A1; plus strand). Cytogenetic location: 6p22.3.
Variant type: single nucleotide variant.
Coding change: c.397C>T on transcript NM_001080.3 (MANE Select); coding-DNA position 397, C replaced by T.
Protein change: p.Gln133Ter; replaces glutamine 133 with a stop codon.
Molecular consequence: nonsense.
Genome position (GRCh38, 1-based): chr6:24,502,565, C>T. VCF-style: chr6-24502565-C-T. GRCh37 (hg19) VCF-style: chr6-24502793-C-T.
Other names: c.397C>T, p.Gln133Ter (NM_001368954.1, NM_170740.1); short protein forms Q133*.
Identifiers: ClinVar variation 940067 (VCV000940067.7), dbSNP rs758087862, ClinGen allele CA3656609.

ClinVar aggregate classification (germline): Pathogenic (1 of 4 stars; one submission).

Conditions:
Succinate-semialdehyde dehydrogenase deficiency (SSADHD). Also called: Succinic Semialdehyde Dehydrogenase Deficiency; SSADH DEFICIENCY; 4-HYDROXYBUTYRIC ACIDURIA; GABA METABOLIC DEFECT. Identifiers: Orphanet 22, MedGen C0268631, MONDO:0010083, OMIM 271980.

Allele frequency attached by ClinVar (database versions not stated): ExAC 0.00004; gnomAD exomes 0.00001 and 0.00002.
gnomAD v4.1: 10 of 1,613,704 alleles (0.00062%); highest among the groups gnomAD compares: Non-Finnish European, 0.00068%; no homozygotes.

Submission:

Labcorp Genetics (formerly Invitae), Labcorp
Classification: Pathogenic for Succinate-semialdehyde dehydrogenase deficiency. Last evaluated: 2025-08-14. Review status: criteria provided, single submitter. Criteria: Invitae Variant Classification Sherloc (09022015). Collection method: clinical testing. Allele origin: germline.
Comment: This sequence change creates a premature translational stop signal (p.Gln133*) in the ALDH5A1 gene. It is expected to result in an absent or disrupted protein product. Loss-of-function variants in ALDH5A1 are known to be pathogenic (PMID: 14635103). This variant is present in population databases (rs758087862, gnomAD 0.004%). This variant has not been reported in the literature in individuals affected with ALDH5A1-related conditions. ClinVar contains an entry for this variant (Variation ID: 940067). For these reasons, this variant has been classified as Pathogenic.

Literature cited by the submitters: PubMed 14635103.